The following is an entry in ClinVar:

NM_000215.4(JAK3):c.1915-11G>A

Gene: JAK3 (Janus kinase 3; minus strand). Cytogenetic location: 19p13.11.
Variant type: single nucleotide variant.
Coding change: c.1915-11G>A on transcript NM_000215.4 (MANE Select); 11 bases into the intron before coding-DNA position 1915, G replaced by A.
Molecular consequence: intron variant.
Genome position (GRCh38, 1-based): chr19:17,835,226, C>T on the plus strand (G>A on the coding strand, the complement: JAK3 is on the minus strand). VCF-style: chr19-17835226-C-T. GRCh37 (hg19) VCF-style: chr19-17946035-C-T.
Identifiers: ClinVar variation 2581273 (VCV002581273.1), dbSNP rs2147683334, ClinGen allele CA2582342946.
Genomic context (GRCh38, chr19:17,835,226, plus strand): 5'-AGGAGCACCTTCCGGGCAGAGACATTGCCATGGGGCAGGCCTTTGTCCTCCTAAGGGGGC[C>T]AGACACAGGAAAATGCCCGGGAGGGTTTGATGAATGAAGAGTCTGTTTGGCAAACTCCTA-3'

ClinVar aggregate classification (germline): Likely pathogenic (1 of 4 stars; one submission).

Conditions:
Severe combined immunodeficiency disease. Also called: Severe combined immunodeficiency; Severe Combined Immune Deficiency. Identifiers: Orphanet 183660, MedGen C0085110, MeSH D016511, MONDO:0015974, HP:0004430. Inheritance: X-Linked or Autosomal recessive.

Submission:

Women's Health and Genetics/Laboratory Corporation of America, LabCorp
Classification: Likely pathogenic for Severe combined immunodeficiency disease. Last evaluated: 2023-08-21. Review status: criteria provided, single submitter. Criteria: LabCorp Variant Classification Summary - May 2015. Collection method: clinical testing. Allele origin: germline.
Comment: Variant summary: JAK3 c.1915-11G>A alters a non-conserved nucleotide located at a position not widely known to affect splicing. Several computational tools predict a significant impact on normal splicing: Two predict the variant abolishes a canonical 3' splice acceptor site, two predict it weakens this site, and four predict the variant creates a cryptic 3' acceptor site. At least one publication reports experimental evidence that this variant affects mRNA splicing, inserting 9 nucleotides predicted to result in a premature stop codon (Lee_2011). The variant was absent in 247398 control chromosomes (gnomAD). c.1915-11G>A has been reported in the literature in an individual affected with Severe Combined Immunodeficiency (Lee_2011). These data indicate that the variant may be associated with disease. The following publication has been ascertained in the context of this evaluation (PMID: 21184155). No submitters have cited clinical-significance assessments for this variant to ClinVar after 2014. Based on the evidence outlined above, the variant was classified as likely pathogenic.

Literature cited by the submitters: PubMed 21184155.